The following is an entry in ClinVar:

NM_024422.6(DSC2):c.2303T>C (p.Val768Ala)

Gene: DSC2 (desmocollin 2; minus strand). Cytogenetic location: 18q12.1.
Variant type: single nucleotide variant.
Coding change: c.2303T>C on transcript NM_024422.6 (MANE Select); coding-DNA position 2303, T replaced by C.
Protein change: p.Val768Ala; replaces valine 768 with alanine.
Molecular consequence: missense variant.
Genome position (GRCh38, 1-based): chr18:31,069,099, A>G on the plus strand (T>C on the coding strand, the complement: DSC2 is on the minus strand). VCF-style: chr18-31069099-A-G. GRCh37 (hg19) VCF-style: chr18-28649065-A-G.
Other names: c.1874T>C, p.Val625Ala (NM_001406506.1, NM_001406507.1); c.2303T>C, p.Val768Ala (NM_004949.5); short protein forms V625A, V768A.
Identifiers: ClinVar variation 1789327 (VCV001789327.4), dbSNP rs2510938111, ClinGen allele CA402111954.
Genomic context (GRCh38, chr18:31,069,099, plus strand): 5'-TTCACCATTTCGATGGTCTCCTGACCTCCGTTTTTGATTCCTGATCCCACGGTGCCACAA[A>G]CTCCCTGAGCAGAAGCGCCCACAGTTTGGGTTGTGAAGCCATTCGCAGAATACTGAAATG-3'
Protein context (NP_077740.1, residues 758-778): TQTVGASAQG[Val768Ala]CGTVGSGIKN

ClinVar aggregate classification (germline): Uncertain significance. Review status: criteria provided, multiple submitters, no conflicts (2 of 4 stars). 2 submissions from 2 submitters: Uncertain significance (2). Last evaluated 2024-08-27.

Conditions:
Cardiovascular phenotype. Identifiers: MedGen CN230736.
Arrhythmogenic right ventricular dysplasia 11. Also called: Arrhythmogenic Right Ventricular Dysplasia/Cardiomyopathy11; ARRHYTHMOGENIC RIGHT VENTRICULAR DYSPLASIA, FAMILIAL, 11; Arrhythmogenic right ventricular dysplasia 11 with mild palmoplantar keratoderma and woolly hair. Identifiers: MedGen C1864850, MONDO:0012506, OMIM 610476.

Submissions (2):

Labcorp Genetics (formerly Invitae), Labcorp
Classification: Uncertain significance for Arrhythmogenic right ventricular dysplasia 11. Last evaluated: 2024-08-27. Review status: criteria provided, single submitter. Criteria: Invitae Variant Classification Sherloc (09022015). Collection method: clinical testing. Allele origin: germline.
Comment: This sequence change replaces valine, which is neutral and non-polar, with alanine, which is neutral and non-polar, at codon 768 of the DSC2 protein (p.Val768Ala). This variant is not present in population databases (gnomAD no frequency). This variant has not been reported in the literature in individuals affected with DSC2-related conditions. ClinVar contains an entry for this variant (Variation ID: 1789327). Invitae Evidence Modeling of protein sequence and biophysical properties (such as structural, functional, and spatial information, amino acid conservation, physicochemical variation, residue mobility, and thermodynamic stability) indicates that this missense variant is not expected to disrupt DSC2 protein function with a negative predictive value of 80%. In summary, the available evidence is currently insufficient to determine the role of this variant in disease. Therefore, it has been classified as a Variant of Uncertain Significance.

Ambry Genetics
Classification: Uncertain significance for Cardiovascular phenotype. Last evaluated: 2022-01-17. Review status: criteria provided, single submitter. Criteria: Ambry Variant Classification Scheme 2023. Collection method: clinical testing. Allele origin: germline.
Comment: The p.V768A variant (also known as c.2303T>C), located in coding exon 15 of the DSC2 gene, results from a T to C substitution at nucleotide position 2303. The valine at codon 768 is replaced by alanine, an amino acid with similar properties. This amino acid position is conserved. In addition, this alteration is predicted to be tolerated by in silico analysis. Since supporting evidence is limited at this time, the clinical significance of this alteration remains unclear.